The following is an entry in ClinVar:

NM_000321.3(RB1):c.166G>T (p.Asp56Tyr)

Gene: RB1 (RB transcriptional corepressor 1; plus strand). Cytogenetic location: 13q14.2.
Variant type: single nucleotide variant.
Coding change: c.166G>T on transcript NM_000321.3 (MANE Select); coding-DNA position 166, G replaced by T.
Protein change: p.Asp56Tyr; replaces aspartic acid 56 with tyrosine.
Molecular consequence: missense variant.
Genome position (GRCh38, 1-based): chr13:48,307,308, G>T. VCF-style: chr13-48307308-G-T. GRCh37 (hg19) VCF-style: chr13-48881444-G-T.
Other names: c.166G>T, p.Asp56Tyr (NM_001407165.1, NM_001407166.1, NM_001407167.1); short protein forms D56Y.
Identifiers: ClinVar variation 3943365 (VCV003943365.1).

ClinVar aggregate classification (germline): Uncertain significance (1 of 4 stars; one submission).

Conditions:
Hereditary cancer-predisposing syndrome. Also called: Tumor predisposition; Hereditary neoplastic syndrome; Hereditary Cancer Syndrome; Neoplastic Syndromes, Hereditary. Identifiers: Orphanet 140162, MedGen C0027672, MeSH D009386, MONDO:0015356.

Submission:

Ambry Genetics
Classification: Uncertain significance for Hereditary cancer-predisposing syndrome. Last evaluated: 2025-05-24. Review status: criteria provided, single submitter. Criteria: Ambry Variant Classification Scheme 2023. Collection method: clinical testing. Allele origin: germline.
Comment: The p.D56Y variant (also known as c.166G>T), located in coding exon 2 of the RB1 gene, results from a G to T substitution at nucleotide position 166. The aspartic acid at codon 56 is replaced by tyrosine, an amino acid with highly dissimilar properties. This amino acid position is conserved. In addition, the in silico prediction for this alteration is inconclusive. Based on the available evidence, the clinical significance of this variant remains unclear.